The following is an entry in ClinVar:

ClinVar aggregate classification (germline): Uncertain significance (1 of 4 stars; one submission).

Submission:

GeneDx
Classification: Uncertain significance. Last evaluated: 2025-03-10. Review status: criteria provided, single submitter. Criteria: GeneDx Variant Classification Process June 2021. Collection method: clinical testing. Allele origin: germline. Affected: yes.
Comment: Not observed at significant frequency in large population cohorts (gnomAD); In silico analysis supports that this missense variant has a deleterious effect on protein structure/function; Has not been previously published as pathogenic or benign to our knowledge

NM_000069.3(CACNA1S):c.2872A>G (p.Thr958Ala)

Gene: CACNA1S (calcium voltage-gated channel subunit alpha1 S; minus strand). Cytogenetic location: 1q32.1.
Variant type: single nucleotide variant.
Coding change: c.2872A>G on transcript NM_000069.3 (MANE Select); coding-DNA position 2872, A replaced by G.
Protein change: p.Thr958Ala; replaces threonine 958 with alanine.
Molecular consequence: missense variant.
Genome position (GRCh38, 1-based): chr1:201,062,496, T>C on the plus strand (A>G on the coding strand, the complement: CACNA1S is on the minus strand). VCF-style: chr1-201062496-T-C. GRCh37 (hg19) VCF-style: chr1-201031624-T-C.
Other names: short protein forms T958A.
Identifiers: ClinVar variation 4083249 (VCV004083249.1).